The following is an entry in ClinVar:

ClinVar aggregate classification (germline): Likely benign. Review status: criteria provided, multiple submitters, no conflicts (2 of 4 stars). 5 submissions from 5 submitters: Likely benign (5). Last evaluated 2026-03-12.

Conditions:
Inborn genetic diseases. Identifiers: MedGen C0950123, MeSH D030342.
SAMD9L-related disorder. Also called: SAMD9L-related condition; SAMD9L-related disorders.

Allele frequency attached by ClinVar (database versions not stated): gnomAD exomes 0.00002 and 0.00004; gnomAD 0.00003 and 0.00004; TOPMed 0.00004; ExAC 0.00005; ESP Exome Variant Server 0.00008.
gnomAD v4.1: 37 of 1,612,932 alleles (0.0023%); highest among the groups gnomAD compares: Middle Eastern, 0.033%; no homozygotes.

Submissions (5):

PreventionGenetics, part of Exact Sciences
Classification: Likely benign for SAMD9L-related condition. Last evaluated: 2026-03-12. Review status: criteria provided, single submitter. Criteria: ACMG Guidelines, 2015. Collection method: clinical testing. Allele origin: germline.
Comment: This variant is classified as likely benign based on ACMG/AMP sequence variant interpretation guidelines (Richards et al. 2015 PMID: 25741868, with internal and published modifications).

Labcorp Genetics (formerly Invitae), Labcorp
Classification: Likely benign. Last evaluated: 2025-03-04. Review status: criteria provided, single submitter. Criteria: Invitae Variant Classification Sherloc (09022015). Collection method: clinical testing. Allele origin: germline.

Ambry Genetics
Classification: Likely benign for Inborn genetic diseases. Last evaluated: 2024-11-18. Review status: criteria provided, single submitter. Criteria: Ambry Variant Classification Scheme 2023. Collection method: clinical testing. Allele origin: germline.

Blueprint Genetics
Classification: Likely benign. Last evaluated: 2024-04-23. Review status: criteria provided, single submitter. Criteria: ACMG Guidelines, 2015. Collection method: clinical testing. Allele origin: germline.

Breakthrough Genomics
Classification: Likely benign. Review status: criteria provided, single submitter. Criteria: ACMG Guidelines, 2015. Collection method: not provided. Allele origin: germline. Inheritance: Autosomal dominant inheritance. Affected: yes.

NM_152703.5(SAMD9L):c.2850C>T (p.Tyr950=)

Gene: SAMD9L (sterile alpha motif domain containing 9 like; minus strand). Cytogenetic location: 7q21.2.
Variant type: single nucleotide variant.
Coding change: c.2850C>T on transcript NM_152703.5 (MANE Select); coding-DNA position 2850, C replaced by T.
Protein change: p.Tyr950=; no amino-acid change (tyrosine 950 retained).
Molecular consequence: synonymous variant.
Genome position (GRCh38, 1-based): chr7:93,133,122, G>A on the plus strand (C>T on the coding strand, the complement: SAMD9L is on the minus strand). VCF-style: chr7-93133122-G-A. GRCh37 (hg19) VCF-style: chr7-92762435-G-A.
Other names: c.2850C>T (NM_152703.2, NM_152703.3); c.2850C>T, p.Tyr950= (NM_001303496.3, NM_001303497.3, NM_001303498.3 and 5 more transcripts).
Identifiers: ClinVar variation 1632575 (VCV001632575.12), dbSNP rs374124481, ClinGen allele CA4343542.